The following is an entry in ClinVar:

ClinVar aggregate classification (germline): Conflicting classifications of pathogenicity. Review status: criteria provided, conflicting classifications (1 of 4 stars). 4 submissions from 4 submitters: Uncertain significance (2); Benign (1); Likely benign (1). Last evaluated 2025-12-22.

Conditions:
Cardiovascular phenotype. Identifiers: MedGen CN230736.
Hypercholesterolemia, autosomal dominant, type B (FHCL2). Also called: Hyperlipoproteinemia Type IIb; Familial Hypercholesterolemia Type B; APOLIPOPROTEIN B-100, FAMILIAL DEFECTIVE; APOLIPOPROTEIN B-100, FAMILIAL LIGAND-DEFECTIVE; Familial hypercholesterolemia 2; APOB-Related Familial Hypercholesterolemia, Autosomal Dominant. Identifiers: MedGen C1704417, MONDO:0007751, OMIM 144010.
Familial hypobetalipoproteinemia 1. Also called: Hypobetalipoproteinemia, normotriglyceridemic; Acanthocytosis with hypobetalipoproteinemia; APOB-Related Familial Hypobetalipoproteinemia. Identifiers: MedGen C4551990, MONDO:0014252, OMIM 615558.

Allele frequency attached by ClinVar (database versions not stated): gnomAD exomes 0.00003; TOPMed 0.00003; gnomAD 0.00002; ExAC 0.00003.
gnomAD v4.1: 64 of 1,613,938 alleles (0.004%); highest among the groups gnomAD compares: East Asian, 0.0067%; no homozygotes.

Submissions (4):

Labcorp Genetics (formerly Invitae), Labcorp
Classification: Benign for Familial hypobetalipoproteinemia 1; Hypercholesterolemia, autosomal dominant, type B. Last evaluated: 2025-12-22. Review status: criteria provided, single submitter. Criteria: Invitae Variant Classification Sherloc (09022015). Collection method: clinical testing. Allele origin: germline.

ARUP Laboratories, Molecular Genetics and Genomics, ARUP Laboratories
Classification: Uncertain significance. Last evaluated: 2023-08-17. Review status: criteria provided, single submitter. Criteria: ARUP Molecular Germline Variant Investigation Process 2024. Collection method: clinical testing. Allele origin: germline.
Comment: The APOB c.7727G>A; p.Arg2576His variant (rs759057929), to our knowledge, is not reported in the medical literature but is reported in ClinVar (Variation ID: 583390). This variant is found in the general population with an overall allele frequency of 0.003% (9/282,240 alleles) in the Genome Aggregation Database. Computational analyses predict that this variant is neutral (REVEL: 0.057). However, given the lack of clinical and functional data, the significance of this variant is uncertain at this time.

Fulgent Genetics
Classification: Uncertain significance for Hypercholesterolemia, autosomal dominant, type B; Familial hypobetalipoproteinemia 1. Last evaluated: 2021-09-20. Review status: criteria provided, single submitter. Criteria: ACMG Guidelines, 2015. Collection method: clinical testing. Allele origin: unknown.

Ambry Genetics
Classification: Likely benign for Cardiovascular phenotype. Last evaluated: 2020-03-05. Review status: criteria provided, single submitter. Criteria: Ambry Variant Classification Scheme 2023. Collection method: clinical testing. Allele origin: germline.

NM_000384.3(APOB):c.7727G>A (p.Arg2576His)

Gene: APOB (apolipoprotein B; minus strand). Cytogenetic location: 2p24.1.
Variant type: single nucleotide variant.
Coding change: c.7727G>A on transcript NM_000384.3 (MANE Select); coding-DNA position 7727, G replaced by A.
Protein change: p.Arg2576His; replaces arginine 2576 with histidine.
Molecular consequence: missense variant.
Genome position (GRCh38, 1-based): chr2:21,009,141, C>T on the plus strand (G>A on the coding strand, the complement: APOB is on the minus strand). VCF-style: chr2-21009141-C-T. GRCh37 (hg19) VCF-style: chr2-21232013-C-T.
Other names: short protein forms R2576H.
Identifiers: ClinVar variation 583390 (VCV000583390.18), dbSNP rs759057929, ClinGen allele CA064741.